The following is an entry in ClinVar:

NM_207352.4(CYP4V2):c.482A>T (p.Asp161Val)

Gene: CYP4V2 (cytochrome P450 family 4 subfamily V member 2; plus strand). Cytogenetic location: 4q35.1.
Variant type: single nucleotide variant.
Coding change: c.482A>T on transcript NM_207352.4 (MANE Select); coding-DNA position 482, A replaced by T.
Protein change: p.Asp161Val; replaces aspartic acid 161 with valine.
Molecular consequence: missense variant.
Genome position (GRCh38, 1-based): chr4:186,197,008, A>T. VCF-style: chr4-186197008-A-T. GRCh37 (hg19) VCF-style: chr4-187118162-A-T.
Other names: short protein forms D161V.
Identifiers: ClinVar variation 2094332 (VCV002094332.2), dbSNP rs2478906036, ClinGen allele CA358947388.

ClinVar aggregate classification (germline): Uncertain significance (1 of 4 stars; one submission).

Allele frequency attached by ClinVar (database versions not stated): gnomAD exomes below 0.00001.

Submission:

Labcorp Genetics (formerly Invitae), Labcorp
Classification: Uncertain significance. Last evaluated: 2022-03-08. Review status: criteria provided, single submitter. Criteria: Invitae Variant Classification Sherloc (09022015). Collection method: clinical testing. Allele origin: germline.
Comment: This variant has not been reported in the literature in individuals affected with CYP4V2-related conditions. In summary, the available evidence is currently insufficient to determine the role of this variant in disease. Therefore, it has been classified as a Variant of Uncertain Significance. Algorithms developed to predict the effect of sequence changes on RNA splicing suggest that this variant may disrupt the consensus splice site. Advanced modeling of protein sequence and biophysical properties (such as structural, functional, and spatial information, amino acid conservation, physicochemical variation, residue mobility, and thermodynamic stability) performed at Invitae indicates that this missense variant is not expected to disrupt CYP4V2 protein function. This variant is not present in population databases (gnomAD no frequency). This sequence change replaces aspartic acid, which is acidic and polar, with valine, which is neutral and non-polar, at codon 161 of the CYP4V2 protein (p.Asp161Val).